The following is an entry in ClinVar:

ClinVar aggregate classification (germline): Uncertain significance (1 of 4 stars; one submission).

Conditions:
Inborn genetic diseases. Identifiers: MedGen C0950123, MeSH D030342.

Submission:

Ambry Genetics
Classification: Uncertain significance for Inborn genetic diseases. Last evaluated: 2025-11-28. Review status: criteria provided, single submitter. Criteria: Ambry Variant Classification Scheme 2023. Collection method: clinical testing. Allele origin: germline.
Comment: The p.S367G variant (also known as c.1099A>G), located in coding exon 13 of the FANCA gene, results from an A to G substitution at nucleotide position 1099. The serine at codon 367 is replaced by glycine, an amino acid with similar properties. This amino acid position is conserved. In addition, this alteration is predicted to be tolerated by in silico analysis. Based on the available evidence, the clinical significance of this variant remains unclear.

NM_000135.4(FANCA):c.1099A>G (p.Ser367Gly)

Gene: FANCA (FA complementation group A; minus strand). Cytogenetic location: 16q24.3.
Variant type: single nucleotide variant.
Coding change: c.1099A>G on transcript NM_000135.4 (MANE Select); coding-DNA position 1099, A replaced by G.
Protein change: p.Ser367Gly; replaces serine 367 with glycine.
Molecular consequence: missense variant.
Genome position (GRCh38, 1-based): chr16:89,792,053, T>C on the plus strand (A>G on the coding strand, the complement: FANCA is on the minus strand). VCF-style: chr16-89792053-T-C. GRCh37 (hg19) VCF-style: chr16-89858461-T-C.
Other names: c.1099A>G, p.Ser367Gly (NM_001286167.3); short protein forms S367G.
Identifiers: ClinVar variation 4619297 (VCV004619297.1).